The following is an entry in ClinVar:

ClinVar aggregate classification (germline): Uncertain significance (1 of 4 stars; one submission).

Conditions:
Multiple congenital anomalies-hypotonia-seizures syndrome 1 (MCAHS1). Also called: PIGN-CDG; Congenital disorder of glycosylation due to PIGN deficiency; GLYCOSYLPHOSPHATIDYLINOSITOL BIOSYNTHESIS DEFECT 3. Identifiers: Orphanet 280633, MedGen C3279775, MONDO:0013563, OMIM 614080.

gnomAD v4.1: 1 of 1,546,574 alleles (0.000065%); highest among the groups gnomAD compares: Non-Finnish European, 0.000087%; no homozygotes.

Submission:

Labcorp Genetics (formerly Invitae), Labcorp
Classification: Uncertain significance for Multiple congenital anomalies-hypotonia-seizures syndrome 1. Last evaluated: 2021-12-08. Review status: criteria provided, single submitter. Criteria: Invitae Variant Classification Sherloc (09022015). Collection method: clinical testing. Allele origin: germline.
Comment: This sequence change replaces proline, which is neutral and non-polar, with leucine, which is neutral and non-polar, at codon 389 of the PIGN protein (p.Pro389Leu). This variant is not present in population databases (gnomAD no frequency). This variant has not been reported in the literature in individuals affected with PIGN-related conditions. Algorithms developed to predict the effect of missense changes on protein structure and function are either unavailable or do not agree on the potential impact of this missense change (SIFT: "Not Available"; PolyPhen-2: "Possibly Damaging"; Align-GVGD: "Not Available"). In summary, the available evidence is currently insufficient to determine the role of this variant in disease. Therefore, it has been classified as a Variant of Uncertain Significance.

NM_176787.5(PIGN):c.1166C>T (p.Pro389Leu)

Gene: PIGN (phosphatidylinositol glycan anchor biosynthesis class N; minus strand). Cytogenetic location: 18q21.33.
Variant type: single nucleotide variant.
Coding change: c.1166C>T on transcript NM_176787.5 (MANE Select); coding-DNA position 1166, C replaced by T.
Protein change: p.Pro389Leu; replaces proline 389 with leucine.
Molecular consequence: missense variant.
Genome position (GRCh38, 1-based): chr18:62,138,249, G>A on the plus strand (C>T on the coding strand, the complement: PIGN is on the minus strand). VCF-style: chr18-62138249-G-A. GRCh37 (hg19) VCF-style: chr18-59805482-G-A.
Other names: c.1166C>T, p.Pro389Leu (NM_012327.6); short protein forms P389L.
Identifiers: ClinVar variation 2038009 (VCV002038009.4), dbSNP rs2513701136, ClinGen allele CA402607561.